The following is an entry in ClinVar:

ClinVar aggregate classification (germline): Uncertain significance (1 of 4 stars; one submission).

Conditions:
Tuberous sclerosis 1 (TSC1). Identifiers: Orphanet 805, MedGen C1854465, MONDO:0008612, OMIM 191100.

Submission:

Labcorp Genetics (formerly Invitae), Labcorp
Classification: Uncertain significance for Tuberous sclerosis 1. Last evaluated: 2022-08-23. Review status: criteria provided, single submitter. Criteria: Invitae Variant Classification Sherloc (09022015). Collection method: clinical testing. Allele origin: germline.
Comment: In summary, the available evidence is currently insufficient to determine the role of this variant in disease. Therefore, it has been classified as a Variant of Uncertain Significance. Algorithms developed to predict the effect of missense changes on protein structure and function output the following: SIFT: "Deleterious"; PolyPhen-2: "Benign"; Align-GVGD: "Class C0". The glycine amino acid residue is found in multiple mammalian species, which suggests that this missense change does not adversely affect protein function. This variant has not been reported in the literature in individuals affected with TSC1-related conditions. This variant is not present in population databases (gnomAD no frequency). This sequence change replaces valine, which is neutral and non-polar, with glycine, which is neutral and non-polar, at codon 25 of the TSC1 protein (p.Val25Gly).

NM_000368.5(TSC1):c.74T>G (p.Val25Gly)

Gene: TSC1 (TSC complex subunit 1; minus strand). Cytogenetic location: 9q34.13.
Variant type: single nucleotide variant.
Coding change: c.74T>G on transcript NM_000368.5 (MANE Select); coding-DNA position 74, T replaced by G.
Protein change: p.Val25Gly; replaces valine 25 with glycine.
Molecular consequence: missense variant. On other transcripts: 5 prime UTR variant (1).
Genome position (GRCh38, 1-based): chr9:132,928,799, A>C on the plus strand (T>G on the coding strand, the complement: TSC1 is on the minus strand). VCF-style: chr9-132928799-A-C. GRCh37 (hg19) VCF-style: chr9-135804186-A-C.
Other names: c.74T>G, p.Val25Gly (NM_001162426.2, NM_001162427.2, NM_001406592.1 and 21 more transcripts); c.-186T>G (NM_001362177.2, NM_001406617.1, NM_001406619.1 and 3 more transcripts); c.-278T>G (NM_001406614.1); c.-415T>G (NM_001406615.1, NM_001406623.1); c.-382T>G (NM_001406616.1, NM_001406624.1); c.-804T>G (NM_001406626.1, NM_001406627.1, NM_001406628.1); c.-946T>G (NM_001406629.1); c.-1020T>G (NM_001406630.1); short protein forms V25G.
Identifiers: ClinVar variation 1994233 (VCV001994233.4), dbSNP rs2539143560, ClinGen allele CA375375321.
Genomic context (GRCh38, chr9:132,928,799, plus strand): 5'-AAGCTAAAAAGGATATTATTTTGCTAACCAGAATTGAGGTTCTCTTTAAAGACAGCTGTC[A>C]CGTCGTCCCGCACACCCAGCATGGGGGAGTCCAGCATGGCAAGAAGCTCCCCGACATTTG-3'
Protein context (NP_000359.1, residues 15-35): DSPMLGVRDD[Val25Gly]TAVFKENLNS